The following is an entry in ClinVar:

NM_001458.5(FLNC):c.1020T>C (p.Tyr340=)

Gene: FLNC (filamin C; plus strand). Cytogenetic location: 7q32.1.
Variant type: single nucleotide variant.
Coding change: c.1020T>C on transcript NM_001458.5 (MANE Select); coding-DNA position 1020, T replaced by C.
Protein change: p.Tyr340=; no amino-acid change (tyrosine 340 retained).
Molecular consequence: synonymous variant.
Genome position (GRCh38, 1-based): chr7:128,838,037, T>C. VCF-style: chr7-128838037-T-C. GRCh37 (hg19) VCF-style: chr7-128478091-T-C.
Other names: c.1020T>C, p.Tyr340= (NM_001127487.2).
Identifiers: ClinVar variation 515434 (VCV000515434.6), dbSNP rs376514318, ClinGen allele CA4474196.
Genomic context (GRCh38, chr7:128,838,037, plus strand): 5'-TTCCTAATAGGCTAAGGTGGTTCCCAACAATGACAAGGATCGCACCTATGCTGTCTCCTA[T>C]GTGCCCAAGGTCGCTGGGTTACACAAGGTATCTCCCTCTAGGCCCCCCTGCCTGCGCTGC-3'
Protein context (NP_001449.3, residues 330-350): NDKDRTYAVS[Tyr340=]VPKVAGLHKV

ClinVar aggregate classification (germline): Benign/Likely benign. Review status: criteria provided, multiple submitters, no conflicts (2 of 4 stars). 3 submissions from 3 submitters: Benign (1); Likely benign (2). Last evaluated 2025-01-22.

Conditions:
Myofibrillar myopathy 5. Also called: FILAMINOPATHY, AUTOSOMAL DOMINANT; Filaminopathy (type). Identifiers: Orphanet 171445, MedGen C1836050, MONDO:0012289, OMIM 609524.
Distal myopathy with posterior leg and anterior hand involvement. Also called: WILLIAMS DISTAL MYOPATHY. Identifiers: Orphanet 63273, MedGen C3279722, MONDO:0013550, OMIM 614065.
Hypertrophic cardiomyopathy 26. Also called: Cardiomyopathy, familial hypertrophic, 26. Identifiers: Orphanet 75249, MedGen C4310749, MONDO:0014883, OMIM 617047.
Cardiovascular phenotype. Identifiers: MedGen CN230736.

Allele frequency attached by ClinVar (database versions not stated): gnomAD exomes below 0.00001; ExAC 0.00001; gnomAD 0.00002; TOPMed 0.00004; ESP Exome Variant Server 0.00008.
gnomAD v4.1: 4 of 1,613,898 alleles (0.00025%); highest among the groups gnomAD compares: African/African-American, 0.004%; no homozygotes.

Submissions (3):

Labcorp Genetics (formerly Invitae), Labcorp
Classification: Benign for Distal myopathy with posterior leg and anterior hand involvement; Myofibrillar myopathy 5; Hypertrophic cardiomyopathy 26. Last evaluated: 2025-01-22. Review status: criteria provided, single submitter. Criteria: Invitae Variant Classification Sherloc (09022015). Collection method: clinical testing. Allele origin: germline.

Ambry Genetics
Classification: Likely benign for Cardiovascular phenotype. Last evaluated: 2023-06-23. Review status: criteria provided, single submitter. Criteria: Ambry Variant Classification Scheme 2023. Collection method: clinical testing. Allele origin: germline.

GeneDx
Classification: Likely benign. Last evaluated: 2018-02-16. Review status: criteria provided, single submitter. Criteria: GeneDx Variant Classification (06012015). Collection method: clinical testing. Allele origin: germline. Affected: yes.
Comment: This variant is considered likely benign or benign based on one or more of the following criteria: it is a conservative change, it occurs at a poorly conserved position in the protein, it is predicted to be benign by multiple in silico algorithms, and/or has population frequency not consistent with disease.